The following is an entry in ClinVar:

NM_015450.3(POT1):c.693A>T (p.Arg231Ser)

Gene: POT1 (protection of telomeres 1; minus strand). Cytogenetic location: 7q31.33.
Variant type: single nucleotide variant.
Coding change: c.693A>T on transcript NM_015450.3 (MANE Select); coding-DNA position 693, A replaced by T.
Protein change: p.Arg231Ser; replaces arginine 231 with serine.
Molecular consequence: missense variant. On other transcripts: non-coding transcript variant (3).
Genome position (GRCh38, 1-based): chr7:124,858,966, T>A on the plus strand (A>T on the coding strand, the complement: POT1 is on the minus strand). VCF-style: chr7-124858966-T-A. GRCh37 (hg19) VCF-style: chr7-124499020-T-A.
Other names: c.300A>T, p.Arg100Ser (NM_001042594.2); short protein forms R100S, R231S.
Identifiers: ClinVar variation 950918 (VCV000950918.16), dbSNP rs1795514618, ClinGen allele CA369056003.

ClinVar aggregate classification (germline): Uncertain significance. Review status: criteria provided, multiple submitters, no conflicts (2 of 4 stars). 3 submissions from 3 submitters: Uncertain significance (3). Last evaluated 2024-12-22.

Conditions:
Tumor predisposition syndrome 3 (TPDS3). Also called: Melanoma, cutaneous malignant, susceptibility to, 10; Glioma susceptibility 9; LONG TELOMERE SYNDROME, POT1-RELATED; POT1 Tumor Predisposition. Identifiers: Orphanet 618, MedGen C4014476, MONDO:0014368, OMIM 615848.
Hereditary cancer-predisposing syndrome. Also called: Hereditary neoplastic syndrome; Neoplastic Syndromes, Hereditary; Hereditary Cancer Syndrome; Tumor predisposition. Identifiers: Orphanet 140162, MedGen C0027672, MeSH D009386, MONDO:0015356.

Allele frequency attached by ClinVar (database versions not stated): gnomAD exomes below 0.00001; TOPMed below 0.00001.
gnomAD v4.1: 1 of 1,605,018 alleles (0.000062%); highest among the groups gnomAD compares: Non-Finnish European, 0.000085%; no homozygotes.

Submissions (3):

Labcorp Genetics (formerly Invitae), Labcorp
Classification: Uncertain significance for Tumor predisposition syndrome 3. Last evaluated: 2024-12-22. Review status: criteria provided, single submitter. Criteria: Invitae Variant Classification Sherloc (09022015). Collection method: clinical testing. Allele origin: germline.
Comment: This sequence change replaces arginine, which is basic and polar, with serine, which is neutral and polar, at codon 231 of the POT1 protein (p.Arg231Ser). This variant is not present in population databases (gnomAD no frequency). This variant has not been reported in the literature in individuals affected with POT1-related conditions. ClinVar contains an entry for this variant (Variation ID: 950918). Invitae Evidence Modeling of protein sequence and biophysical properties (such as structural, functional, and spatial information, amino acid conservation, physicochemical variation, residue mobility, and thermodynamic stability) indicates that this missense variant is not expected to disrupt POT1 protein function with a negative predictive value of 80%. RNA analysis performed to evaluate the impact of this missense change on mRNA splicing indicates it does not significantly alter splicing (internal data). In summary, the available evidence is currently insufficient to determine the role of this variant in disease. Therefore, it has been classified as a Variant of Uncertain Significance.

GeneDx
Classification: Uncertain significance. Last evaluated: 2024-03-10. Review status: criteria provided, single submitter. Criteria: GeneDx Variant Classification Process June 2021. Collection method: clinical testing. Allele origin: germline.
Comment: Not observed at significant frequency in large population cohorts (gnomAD); In silico analysis supports that this missense variant does not alter protein structure/function; Has not been previously published as pathogenic or benign to our knowledge; This variant is associated with the following publications: (PMID: 28393830)

Ambry Genetics
Classification: Uncertain significance for Hereditary cancer-predisposing syndrome. Last evaluated: 2024-01-19. Review status: criteria provided, single submitter. Criteria: Ambry Variant Classification Scheme 2023. Collection method: clinical testing. Allele origin: germline.
Comment: The p.R231S variant (also known as c.693A>T), located in coding exon 5 of the POT1 gene, results from an A to T substitution at nucleotide position 693. The arginine at codon 231 is replaced by serine, an amino acid with dissimilar properties. This amino acid position is poorly conserved in available vertebrate species. In addition, this alteration is predicted to be tolerated by in silico analysis. Based on the available evidence, the clinical significance of this alteration remains unclear.